The following is an entry in ClinVar:

ClinVar aggregate classification (germline): Uncertain significance (1 of 4 stars; one submission).

Conditions:
Baller-Gerold syndrome (BGS). Also called: CRANIOSYNOSTOSIS WITH RADIAL DEFECTS. Identifiers: Orphanet 1225, MedGen C0265308, MONDO:0009039, OMIM 218600.

Submission:

Labcorp Genetics (formerly Invitae), Labcorp
Classification: Uncertain significance for Baller-Gerold syndrome. Last evaluated: 2024-03-07. Review status: criteria provided, single submitter. Criteria: Invitae Variant Classification Sherloc (09022015). Collection method: clinical testing. Allele origin: germline.
Comment: This sequence change replaces glutamic acid, which is acidic and polar, with lysine, which is basic and polar, at codon 901 of the RECQL4 protein (p.Glu901Lys). This variant is not present in population databases (gnomAD no frequency). This variant has not been reported in the literature in individuals affected with RECQL4-related conditions. Advanced modeling of protein sequence and biophysical properties (such as structural, functional, and spatial information, amino acid conservation, physicochemical variation, residue mobility, and thermodynamic stability) performed at Invitae indicates that this missense variant is not expected to disrupt RECQL4 protein function with a negative predictive value of 80%. In summary, the available evidence is currently insufficient to determine the role of this variant in disease. Therefore, it has been classified as a Variant of Uncertain Significance.

NM_004260.4(RECQL4):c.2701G>A (p.Glu901Lys)

Gene: RECQL4 (RecQ like helicase 4; minus strand). Cytogenetic location: 8q24.3.
Variant type: single nucleotide variant.
Coding change: c.2701G>A on transcript NM_004260.4 (MANE Select); coding-DNA position 2701, G replaced by A.
Protein change: p.Glu901Lys; replaces glutamic acid 901 with lysine.
Molecular consequence: missense variant. On other transcripts: non-coding transcript variant (3).
Genome position (GRCh38, 1-based): chr8:144,512,901, C>T on the plus strand (G>A on the coding strand, the complement: RECQL4 is on the minus strand). VCF-style: chr8-144512901-C-T. GRCh37 (hg19) VCF-style: chr8-145738284-C-T.
Other names: c.1630G>A, p.Glu544Lys (NM_001413023.1, NM_001413024.1, NM_001413028.1 and 5 more transcripts); c.2572G>A, p.Glu858Lys (NM_001413025.1); c.1564G>A, p.Glu522Lys (NM_001413027.1, NM_001413030.1, NM_001413032.1 and 1 more transcripts); c.2350G>A, p.Glu784Lys (NM_001413029.1); c.1432G>A, p.Glu478Lys (NM_001413031.1, NM_001413038.1); c.2569G>A, p.Glu857Lys (NM_001413033.1); c.2407G>A, p.Glu803Lys (NM_001413017.1); c.2503G>A, p.Glu835Lys (NM_001413018.1); and 6 more; short protein forms E500K, E544K, E857K, E869K, E858K, E412K, E522K, E534K.
Identifiers: ClinVar variation 2972626 (VCV002972626.3), dbSNP rs1158013304, ClinGen allele CA372675127.